The following is an entry in ClinVar:

NM_004380.3(CREBBP):c.1694G>T (p.Gly565Val)

Genes: CREBBP (CREB binding lysine acetyltransferase; minus strand), LOC130058353 (ATAC-STARR-seq lymphoblastoid active region 10333; plus strand). Cytogenetic location: 16p13.3.
Variant type: single nucleotide variant.
Coding change: c.1694G>T on transcript NM_004380.3 (MANE Select); coding-DNA position 1694, G replaced by T.
Protein change: p.Gly565Val; replaces glycine 565 with valine.
Molecular consequence: missense variant.
Genome position (GRCh38, 1-based): chr16:3,780,861, C>A on the plus strand (G>T on the coding strand, the complement: CREBBP is on the minus strand). VCF-style: chr16-3780861-C-A. GRCh37 (hg19) VCF-style: chr16-3830862-C-A.
Other names: c.1580G>T, p.Gly527Val (NM_001079846.1); short protein forms G527V, G565V.
Identifiers: ClinVar variation 4292413 (VCV004292413.1).

ClinVar aggregate classification (germline): Uncertain significance (1 of 4 stars; one submission).

Conditions:
CREBBP-related disorder. Also called: CREBBP-related condition; CREBBP-related disorders.

Submission:

3billion
Classification: Uncertain significance for CREBBP-related disorder. Last evaluated: 2024-08-08. Review status: criteria provided, single submitter. Criteria: ACMG Guidelines, 2015. Collection method: clinical testing. Allele origin: germline. Affected: yes.
Comment: The variant is not observed in the gnomAD v4.0.0 dataset. Predicted Consequence/Location: Missense variant Therefore, this variant is classified as VUS according to the recommendation of ACMG/AMP guideline.